The following is an entry in ClinVar:

ClinVar aggregate classification (germline): Uncertain significance (1 of 4 stars; one submission).

Conditions:
Marfan syndrome (MFS). Also called: MARFAN SYNDROME, TYPE I; Marfan syndrome type 1; Marfan's syndrome; Marfan syndrome, classic; FBN1-Related Marfan Syndrome. Identifiers: Orphanet 284963, Orphanet 558, MedGen C0024796, MONDO:0007947, OMIM 154700.
Familial thoracic aortic aneurysm and aortic dissection (TAAD). Also called: Thoracic aortic aneurysms and dissections. Identifiers: Orphanet 91387, MedGen C4707243, MONDO:0019625.

Submission:

Labcorp Genetics (formerly Invitae), Labcorp
Classification: Uncertain significance for Marfan syndrome; Familial thoracic aortic aneurysm and aortic dissection. Last evaluated: 2023-12-02. Review status: criteria provided, single submitter. Criteria: Invitae Variant Classification Sherloc (09022015). Collection method: clinical testing. Allele origin: germline.
Comment: This sequence change replaces aspartic acid, which is acidic and polar, with alanine, which is neutral and non-polar, at codon 1028 of the FBN1 protein (p.Asp1028Ala). This variant is not present in population databases (gnomAD no frequency). This variant has not been reported in the literature in individuals affected with FBN1-related conditions. An algorithm developed to predict the effect of missense changes on protein structure and function (PolyPhen-2) suggests that this variant is likely to be disruptive. This variant disrupts the p.Asp1028 amino acid residue in FBN1. Other variant(s) that disrupt this residue have been determined to be pathogenic (PMID: 11780406; Invitae). This suggests that this residue is clinically significant, and that variants that disrupt this residue are likely to be disease-causing. In summary, the available evidence is currently insufficient to determine the role of this variant in disease. Therefore, it has been classified as a Variant of Uncertain Significance.

Literature cited by the submitters: PubMed 11780406.

NM_000138.5(FBN1):c.3083A>C (p.Asp1028Ala)

Gene: FBN1 (fibrillin 1; minus strand). Cytogenetic location: 15q21.1.
Variant type: single nucleotide variant.
Coding change: c.3083A>C on transcript NM_000138.5 (MANE Select); coding-DNA position 3083, A replaced by C.
Protein change: p.Asp1028Ala; replaces aspartic acid 1028 with alanine.
Molecular consequence: missense variant.
Genome position (GRCh38, 1-based): chr15:48,488,493, T>G on the plus strand (A>C on the coding strand, the complement: FBN1 is on the minus strand). VCF-style: chr15-48488493-T-G. GRCh37 (hg19) VCF-style: chr15-48780690-T-G.
Other names: c.3083A>C, p.Asp1028Ala (NM_001406716.1); short protein forms D1028A.
Identifiers: ClinVar variation 2954376 (VCV002954376.3), dbSNP rs1131691317, ClinGen allele CA392328331.
Genomic context (GRCh38, chr15:48,488,493, plus strand): 5'-ATGGTGTTTCTGCACTTGCCGTGGGTGCAGAGGCTGGGTATCATCTTGCACTCATTGATA[T>G]CTTCAAGAATAAGAAAATGTGGGGCAAAATAAGTTTATGAGCAAGCAGTCAGGAGGTCTC-3'
Protein context (NP_000129.3, residues 1018-1038): EITNGKPFFK[Asp1028Ala]INECKMIPSL